The following is an entry in ClinVar:

NM_177438.3(DICER1):c.4637A>G (p.Tyr1546Cys)

Gene: DICER1 (dicer 1, ribonuclease III; minus strand). Cytogenetic location: 14q32.13.
Variant type: single nucleotide variant.
Coding change: c.4637A>G on transcript NM_177438.3 (MANE Select); coding-DNA position 4637, A replaced by G.
Protein change: p.Tyr1546Cys; replaces tyrosine 1546 with cysteine.
Molecular consequence: missense variant. On other transcripts: non-coding transcript variant (6).
Genome position (GRCh38, 1-based): chr14:95,096,283, T>C on the plus strand (A>G on the coding strand, the complement: DICER1 is on the minus strand). VCF-style: chr14-95096283-T-C. GRCh37 (hg19) VCF-style: chr14-95562620-T-C.
Other names: c.4637A>G, p.Tyr1546Cys (NM_001195573.1, NM_001271282.3, NM_001291628.2 and 12 more transcripts); c.4355A>G, p.Tyr1452Cys (NM_001395686.1); c.4232A>G, p.Tyr1411Cys (NM_001395687.1, NM_001395688.1, NM_001395689.1 and 2 more transcripts); c.4070A>G, p.Tyr1357Cys (NM_001395691.1); c.2954A>G, p.Tyr985Cys (NM_001395697.1); short protein forms Y1357C, Y1546C, Y985C, Y1411C, Y1452C.
Identifiers: ClinVar variation 3644915 (VCV003644915.2).

ClinVar aggregate classification (germline): Uncertain significance (1 of 4 stars; one submission).

Conditions:
DICER1-related tumor predisposition. Also called: DICER1 syndrome; DICER1-related pleuropulmonary blastoma cancer predisposition syndrome. Identifiers: Orphanet 284343, MedGen C3839822, MONDO:0100216.

Submission:

Labcorp Genetics (formerly Invitae), Labcorp
Classification: Uncertain significance for DICER1-related tumor predisposition. Last evaluated: 2024-03-07. Review status: criteria provided, single submitter. Criteria: Invitae Variant Classification Sherloc (09022015). Collection method: clinical testing. Allele origin: germline.
Comment: This sequence change replaces tyrosine, which is neutral and polar, with cysteine, which is neutral and slightly polar, at codon 1546 of the DICER1 protein (p.Tyr1546Cys). This variant is not present in population databases (gnomAD no frequency). This variant has not been reported in the literature in individuals affected with DICER1-related conditions. Advanced modeling of protein sequence and biophysical properties (such as structural, functional, and spatial information, amino acid conservation, physicochemical variation, residue mobility, and thermodynamic stability) performed at Invitae indicates that this missense variant is expected to disrupt DICER1 protein function with a positive predictive value of 80%. In summary, the available evidence is currently insufficient to determine the role of this variant in disease. Therefore, it has been classified as a Variant of Uncertain Significance.